The following is an entry in ClinVar:

ClinVar aggregate classification (germline): Uncertain significance. Review status: criteria provided, multiple submitters, no conflicts (2 of 4 stars). 3 submissions from 3 submitters: Uncertain significance (3). Last evaluated 2025-05-19.

Conditions:
Fanconi anemia complementation group U. Identifiers: MedGen C4310651, MONDO:0014987, OMIM 617247.
Hereditary cancer-predisposing syndrome. Also called: Tumor predisposition; Hereditary Cancer Syndrome; Hereditary neoplastic syndrome; Neoplastic Syndromes, Hereditary. Identifiers: Orphanet 140162, MedGen C0027672, MeSH D009386, MONDO:0015356.

Allele frequency attached by ClinVar (database versions not stated): gnomAD 0.00001; gnomAD exomes 0.00001 and 0.00006; ExAC 0.00004; TOPMed 0.00004.
gnomAD v4.1: 15 of 1,613,348 alleles (0.00093%); highest among the groups gnomAD compares: Admixed American, 0.025%; no homozygotes.

Submissions (3):

Ambry Genetics
Classification: Uncertain significance for Hereditary cancer-predisposing syndrome. Last evaluated: 2025-05-19. Review status: criteria provided, single submitter. Criteria: Ambry Variant Classification Scheme 2023. Collection method: clinical testing. Allele origin: germline.

Labcorp Genetics (formerly Invitae), Labcorp
Classification: Uncertain significance. Last evaluated: 2025-04-26. Review status: criteria provided, single submitter. Criteria: Invitae Variant Classification Sherloc (09022015). Collection method: clinical testing. Allele origin: germline.
Comment: This sequence change replaces alanine, which is neutral and non-polar, with proline, which is neutral and non-polar, at codon 33 of the XRCC2 protein (p.Ala33Pro). This variant is present in population databases (rs774296079, gnomAD 0.04%). This variant has not been reported in the literature in individuals affected with XRCC2-related conditions. ClinVar contains an entry for this variant (Variation ID: 409962). Invitae Evidence Modeling of protein sequence and biophysical properties (such as structural, functional, and spatial information, amino acid conservation, physicochemical variation, residue mobility, and thermodynamic stability) indicates that this missense variant is not expected to disrupt XRCC2 protein function with a negative predictive value of 80%. In summary, the available evidence is currently insufficient to determine the role of this variant in disease. Therefore, it has been classified as a Variant of Uncertain Significance.

Baylor Genetics
Classification: Uncertain significance for Fanconi anemia complementation group U. Last evaluated: 2019-05-06. Review status: criteria provided, single submitter. Criteria: ACMG Guidelines, 2015. Collection method: clinical testing. Allele origin: unknown. Affected: yes. Study: CSER-TexasKidsCanSeq.
Comment: This variant was determined to be of uncertain significance according to ACMG Guidelines, 2015 [PMID:25741868].

NM_005431.2(XRCC2):c.97G>C (p.Ala33Pro)

Gene: XRCC2 (X-ray repair cross complementing 2; minus strand). Cytogenetic location: 7q36.1.
Variant type: single nucleotide variant.
Coding change: c.97G>C on transcript NM_005431.2 (MANE Select); coding-DNA position 97, G replaced by C.
Protein change: p.Ala33Pro; replaces alanine 33 with proline.
Molecular consequence: missense variant.
Genome position (GRCh38, 1-based): chr7:152,660,725, C>G on the plus strand (G>C on the coding strand, the complement: XRCC2 is on the minus strand). VCF-style: chr7-152660725-C-G. GRCh37 (hg19) VCF-style: chr7-152357810-C-G.
Other names: short protein forms A33P.
Identifiers: ClinVar variation 409962 (VCV000409962.17), dbSNP rs774296079, ClinGen allele CA4582404.